The following is an entry in ClinVar:

NM_001254.4(CDC6):c.165C>T (p.Pro55=)

Gene: CDC6 (cell division cycle 6; plus strand). Cytogenetic location: 17q21.2.
Variant type: single nucleotide variant.
Coding change: c.165C>T on transcript NM_001254.4 (MANE Select); coding-DNA position 165, C replaced by T.
Protein change: p.Pro55=; no amino-acid change (proline 55 retained).
Molecular consequence: synonymous variant.
Genome position (GRCh38, 1-based): chr17:40,289,585, C>T. VCF-style: chr17-40289585-C-T. GRCh37 (hg19) VCF-style: chr17-38445837-C-T.
Identifiers: ClinVar variation 210619 (VCV000210619.48), dbSNP rs142289528, ClinGen allele CA207461.

ClinVar aggregate classification (germline): Benign/Likely benign. Review status: criteria provided, multiple submitters, no conflicts (2 of 4 stars). 8 submissions from 8 submitters: Benign (1); Likely benign (5). 2 of the submissions do not count toward it. Last evaluated 2026-01-15.

Conditions:
Meier-Gorlin syndrome 5 (MGORS5). Identifiers: Orphanet 2554, MedGen C3151126, MONDO:0013432, OMIM 613805.

Allele frequency attached by ClinVar (database versions not stated): gnomAD 0.00097 and 0.00115; ESP Exome Variant Server 0.00115; TOPMed 0.00127; gnomAD exomes 0.00158 and 0.00221; 1000 Genomes Project 30x 0.00187; 1000 Genomes Project 0.00200; ExAC 0.00225.
gnomAD v4.1: 2,524 of 1,613,974 alleles (0.16%); highest among the groups gnomAD compares: Middle Eastern, 2%; 15 homozygotes.

Submissions (8):

Labcorp Genetics (formerly Invitae), Labcorp
Classification: Benign. Last evaluated: 2026-01-15. Review status: criteria provided, single submitter. Criteria: Invitae Variant Classification Sherloc (09022015). Collection method: clinical testing. Allele origin: germline.

CeGaT Center for Human Genetics Tuebingen
Classification: Likely benign. Last evaluated: 2025-11-01. Review status: criteria provided, single submitter. Criteria: CeGaT Center For Human Genetics Tuebingen Variant Classification Criteria Version 2. Collection method: clinical testing. Allele origin: germline. Affected: yes. Observed: 7 variant alleles.
Comment: CDC6: BP4, BP7, BS2

Illumina Laboratory Services, Illumina
Classification: Likely benign for Meier-Gorlin syndrome 5. Last evaluated: 2018-01-13. Review status: criteria provided, single submitter. Criteria: ICSL Variant Classification Criteria 13 December 2019. Collection method: clinical testing. Allele origin: germline.
Comment: This variant was observed in the ICSL laboratory as part of a predisposition screen in an ostensibly healthy population. It had not been previously curated by ICSL or reported in the Human Gene Mutation Database (HGMD: prior to June 1st, 2018), and was therefore a candidate for classification through an automated scoring system. Utilizing variant allele frequency, disease prevalence and penetrance estimates, and inheritance mode, an automated score was calculated to assess if this variant is too frequent to cause the disease. Based on the score and internal cut-off values, a variant classified as likely benign is not then subjected to further curation. The score for this variant resulted in a classification of likely benign for this disease.

Genetic Services Laboratory, University of Chicago
Classification: Likely benign. Last evaluated: 2015-08-06. Review status: criteria provided, single submitter. Criteria: ACMG Guidelines, 2015. Collection method: clinical testing. Allele origin: germline.

Breakthrough Genomics
Classification: Likely benign. Review status: criteria provided, single submitter. Criteria: ACMG Guidelines, 2015. Collection method: not provided. Allele origin: germline. Inheritance: Autosomal recessive inheritance. Affected: yes.

PreventionGenetics, part of Exact Sciences
Classification: Likely benign. Review status: criteria provided, single submitter. Criteria: ACMG Guidelines, 2015. Collection method: clinical testing. Allele origin: germline.

Clinical Genetics DNA and cytogenetics Diagnostics Lab, Erasmus MC, Erasmus Medical Center
Classification: Likely benign. Review status: no assertion criteria provided. Collection method: clinical testing. Allele origin: germline. Affected: yes. Study: VKGL Data-share Consensus. Not counted in ClinVar's aggregate classification.

Joint Genome Diagnostic Labs from Nijmegen and Maastricht, Radboudumc and MUMC+
Classification: Benign. Review status: no assertion criteria provided. Collection method: clinical testing. Allele origin: germline. Affected: yes. Study: VKGL Data-share Consensus. Not counted in ClinVar's aggregate classification.